The following is an entry in ClinVar:

ClinVar aggregate classification (germline): Pathogenic (1 of 4 stars; one submission).

Conditions:
SMAD2-related cardiac disorders.

Submission:

Rady Children's Institute for Genomic Medicine, Rady Children's Hospital San Diego
Classification: Pathogenic for SMAD2-related cardiac disorders. Review status: criteria provided, single submitter. Criteria: ACMG Guidelines, 2015. Collection method: clinical testing. Allele origin: germline. Affected: yes.
Comment: This variant affects the canonical splice donor site of intron 8 and is therefore predicted to interfere with splicing and result in loss of normal protein function through either protein truncation or nonsense-mediated mRNA decay (NMD). This variant has not been previously reported or functionally characterized in the literature to our knowledge. A different nucleotide change at the same position (c.997+1G>A) was previously reported in an individual with variable cardiovascular phenotype (PMID: 30157302). The c.997+1G>T variant is absent from the gnomAD population database and thus is presumed to be rare. The c.997+1G>T variant is predicted by multiple in silico tools to have a deleterious effect on protein function. Based on the available evidence, the c.997+1G>T variant is classified as Pathogenic.

NM_005901.6(SMAD2):c.997+1G>T

Gene: SMAD2 (SMAD family member 2; minus strand). Cytogenetic location: 18q21.1.
Variant type: single nucleotide variant.
Coding change: c.997+1G>T on transcript NM_005901.6 (MANE Select); the canonical splice donor site of the intron after coding-DNA position 997, G replaced by T.
Molecular consequence: splice donor variant.
Genome position (GRCh38, 1-based): chr18:47,848,474, C>A on the plus strand (G>T on the coding strand, the complement: SMAD2 is on the minus strand). VCF-style: chr18-47848474-C-A. GRCh37 (hg19) VCF-style: chr18-45374845-C-A.
Other names: c.907+1G>T (NM_001135937.3); c.997+1G>T (NM_001003652.4).
Identifiers: ClinVar variation 2584413 (VCV002584413.1), dbSNP rs367537999, ClinGen allele CA402504227.